The following is an entry in ClinVar:

ClinVar aggregate classification (germline): Uncertain significance. Review status: criteria provided, multiple submitters, no conflicts (2 of 4 stars). 2 submissions from 2 submitters: Uncertain significance (2). Last evaluated 2026-02-19.

Conditions:
Retinoblastoma (RB1). Also called: RETINOBLASTOMA, SOMATIC. Identifiers: Orphanet 790, MedGen C0035335, MeSH D012175, MONDO:0008380, OMIM 180200, HP:0009919. Disease mechanism: loss of function. Inheritance: Both sporadic and heritable forms are tested..
Hereditary cancer-predisposing syndrome. Also called: Tumor predisposition; Hereditary Cancer Syndrome; Hereditary neoplastic syndrome; Neoplastic Syndromes, Hereditary. Identifiers: Orphanet 140162, MedGen C0027672, MeSH D009386, MONDO:0015356.

Submissions (2):

Ambry Genetics
Classification: Uncertain significance for Hereditary cancer-predisposing syndrome. Last evaluated: 2026-02-19. Review status: criteria provided, single submitter. Criteria: Ambry Variant Classification Scheme 2023. Collection method: clinical testing. Allele origin: germline.
Comment: The c.1815-10A>G intronic variant results from an A to G substitution 10 nucleotides upstream from coding exon 19 in the RB1 gene. This variant was reported in an individual with features consistent with RB1-related retinoblastoma (external communication). In silico splice site analysis predicts that this alteration will result in the creation or strengthening of a novel splice acceptor site. RNA studies have demonstrated that this variant results in a transcript predicted to lead to a protein with an in-frame deletion of one amino acid and insertion of four amino acids; however, the exact functional impact of the deleted and inserted amino acids is unknown at this time (Ambry internal data). This nucleotide position is highly conserved in available vertebrate species. Based on the available evidence, the clinical significance of this variant remains unclear.

Genetic Diagnostic Laboratory, University of Pennsylvania School of Medicine
Classification: Uncertain significance for Retinoblastoma. Last evaluated: 2024-05-20. Review status: criteria provided, single submitter. Criteria: ACMG Guidelines, 2015. Collection method: clinical testing. Allele origin: germline. Affected: yes. Observed: 1 variant allele.
Comment: Case and Pedigree Information: BILATERAL CASES:0, UNILATERAL CASES:1, TOTAL CASES:1, PEDIGREES:1. ACMG Codes Applied:PM2

NM_000321.3(RB1):c.1815-10A>G

Gene: RB1 (RB transcriptional corepressor 1; plus strand). Cytogenetic location: 13q14.2.
Variant type: single nucleotide variant.
Coding change: c.1815-10A>G on transcript NM_000321.3 (MANE Select); 10 bases into the intron before coding-DNA position 1815, A replaced by G.
Molecular consequence: intron variant.
Genome position (GRCh38, 1-based): chr13:48,456,194, A>G. VCF-style: chr13-48456194-A-G. GRCh37 (hg19) VCF-style: chr13-49030330-A-G.
Other names: c.1815-10A>G (NM_001407165.1, NM_000321.2).
Identifiers: ClinVar variation 3237030 (VCV003237030.2), dbSNP rs2138330921.